The following is an entry in ClinVar:

NM_022051.3(EGLN1):c.*494G>A

Gene: EGLN1 (egl-9 family hypoxia inducible factor 1; minus strand). Cytogenetic location: 1q42.2.
Variant type: single nucleotide variant.
Coding change: c.*494G>A on transcript NM_022051.3 (MANE Select); 494 bases downstream of the stop codon, G replaced by A.
Molecular consequence: 3 prime UTR variant.
Genome position (GRCh38, 1-based): chr1:231,365,917, C>T on the plus strand (G>A on the coding strand, the complement: EGLN1 is on the minus strand). VCF-style: chr1-231365917-C-T. GRCh37 (hg19) VCF-style: chr1-231501663-C-T.
Other names: c.*555G>A (NM_001377260.1); c.*600G>A (NM_001377261.1).
Identifiers: ClinVar variation 296178 (VCV000296178.5), dbSNP rs144067360, ClinGen allele CA10610373.

ClinVar aggregate classification (germline): Likely benign (1 of 4 stars; one submission).

Conditions:
Erythrocytosis, familial, 3 (ECYT3). Identifiers: Orphanet 247511, MedGen C1853286, MONDO:0012353, OMIM 609820.

Allele frequency attached by ClinVar (database versions not stated): gnomAD exomes 0.00048; 1000 Genomes Project 0.00899; 1000 Genomes Project 30x 0.00984; gnomAD 0.01077 and 0.01167; TOPMed 0.01200.
gnomAD v4.1: 1,621 of 156,490 alleles (1%); highest among the groups gnomAD compares: African/African-American, 3.7%; 27 homozygotes.

Submission:

Illumina Laboratory Services, Illumina
Classification: Likely benign for Erythrocytosis, familial, 3. Last evaluated: 2017-04-27. Review status: criteria provided, single submitter. Criteria: ICSL Variant Classification Criteria 13 December 2019. Collection method: clinical testing. Allele origin: germline.
Comment: This variant was observed as part of a predisposition screen in an ostensibly healthy population. A literature search was performed for the gene, cDNA change, and amino acid change (where applicable). No publications were found based on this search. Allele frequency data from public databases allowed determination this variant is unlikely to cause disease. Therefore, this variant is classified as likely benign.